The following is an entry in ClinVar:

NM_005186.4(CAPN1):c.1320T>A (p.Thr440=)

Gene: CAPN1 (calpain 1; plus strand). Cytogenetic location: 11q13.1.
Variant type: single nucleotide variant.
Coding change: c.1320T>A on transcript NM_005186.4 (MANE Select); coding-DNA position 1320, T replaced by A.
Protein change: p.Thr440=; no amino-acid change (threonine 440 retained).
Molecular consequence: synonymous variant. On other transcripts: non-coding transcript variant (1).
Genome position (GRCh38, 1-based): chr11:65,204,837, T>A. VCF-style: chr11-65204837-T-A. GRCh37 (hg19) VCF-style: chr11-64972308-T-A.
Other names: p.Thr440=; c.1320T>A, p.Thr440= (NM_001198868.2, NM_001198869.2).
Identifiers: ClinVar variation 732657 (VCV000732657.28), dbSNP rs11826089, ClinGen allele CA6093365.

ClinVar aggregate classification (germline): Benign. Review status: criteria provided, multiple submitters, no conflicts (2 of 4 stars). 4 submissions from 4 submitters: Benign (4). Last evaluated 2025-10-01.

Allele frequency attached by ClinVar (database versions not stated): gnomAD exomes 0.00035 and 0.00091; ExAC 0.00120; ESP Exome Variant Server 0.00388; gnomAD 0.00388 and 0.00419; TOPMed 0.00420; 1000 Genomes Project 30x 0.00453; 1000 Genomes Project 0.00519.
gnomAD v4.1: 1,135 of 1,610,080 alleles (0.07%); highest among the groups gnomAD compares: African/African-American, 1.3%; 13 homozygotes.

Submissions (4):

Labcorp Genetics (formerly Invitae), Labcorp
Classification: Benign. Last evaluated: 2025-10-01. Review status: criteria provided, single submitter. Criteria: Invitae Variant Classification Sherloc (09022015). Collection method: clinical testing. Allele origin: germline.

CeGaT Center for Human Genetics Tuebingen
Classification: Benign. Last evaluated: 2025-09-01. Review status: criteria provided, single submitter. Criteria: CeGaT Center For Human Genetics Tuebingen Variant Classification Criteria Version 2. Collection method: clinical testing. Allele origin: germline. Affected: yes. Observed: 2 variant alleles.
Comment: CAPN1: BP4, BP7, BS1, BS2

Mayo Clinic Laboratories, Mayo Clinic
Classification: Benign. Last evaluated: 2024-05-01. Review status: criteria provided, single submitter. Criteria: ACMG Guidelines, 2015. Collection method: clinical testing. Allele origin: germline. Observed: 3 variant alleles.
Comment: BA1, BP4, BP7

Breakthrough Genomics
Classification: Benign. Review status: criteria provided, single submitter. Criteria: ACMG Guidelines, 2015. Collection method: not provided. Allele origin: germline. Inheritance: Autosomal recessive inheritance. Affected: yes.